The following is an entry in ClinVar:

NM_000143.4(FH):c.379G>T (p.Val127Leu)

Gene: FH (fumarate hydratase; minus strand). Cytogenetic location: 1q43.
Variant type: single nucleotide variant.
Coding change: c.379G>T on transcript NM_000143.4 (MANE Select); coding-DNA position 379, G replaced by T.
Protein change: p.Val127Leu; replaces valine 127 with leucine.
Molecular consequence: missense variant.
Genome position (GRCh38, 1-based): chr1:241,512,143, C>A on the plus strand (G>T on the coding strand, the complement: FH is on the minus strand). VCF-style: chr1-241512143-C-A. GRCh37 (hg19) VCF-style: chr1-241675443-C-A.
Other names: short protein forms V127L.
Identifiers: ClinVar variation 237115 (VCV000237115.16), dbSNP rs878853693, ClinGen allele CA10581785.

ClinVar aggregate classification (germline): Uncertain significance. Review status: criteria provided, multiple submitters, no conflicts (2 of 4 stars). 3 submissions from 3 submitters: Uncertain significance (2). 1 of the submissions does not count toward it. Last evaluated 2025-07-15.

Conditions:
Hereditary cancer-predisposing syndrome. Also called: Tumor predisposition; Hereditary Cancer Syndrome; Hereditary neoplastic syndrome; Neoplastic Syndromes, Hereditary. Identifiers: Orphanet 140162, MedGen C0027672, MeSH D009386, MONDO:0015356.
Fumarase deficiency (FMRD). Also called: Fumarate Hydratase Deficiency; Fumaric aciduria. Identifiers: Orphanet 24, MedGen C0342770, MONDO:0011730, OMIM 606812.

Allele frequency attached by ClinVar (database versions not stated): TOPMed below 0.00001; gnomAD exomes 0.00001.
gnomAD v4.1: 9 of 1,612,864 alleles (0.00056%); highest among the groups gnomAD compares: Non-Finnish European, 0.00068%; no homozygotes.

Submissions (3):

Ambry Genetics
Classification: Uncertain significance for Hereditary cancer-predisposing syndrome. Last evaluated: 2025-07-15. Review status: criteria provided, single submitter. Criteria: Ambry Variant Classification Scheme 2023. Collection method: clinical testing. Allele origin: germline.
Comment: The p.V127L variant (also known as c.379G>T) is located in coding exon 4 of the FH gene. The valine at codon 127 is replaced by leucine, an amino acid with highly similar properties. This change occurs in the first base pair of coding exon 4. This amino acid position is highly conserved in available vertebrate species. In addition, this alteration is predicted to be deleterious by in silico analysis. Based on the available evidence, the clinical significance of this variant remains unclear.

Labcorp Genetics (formerly Invitae), Labcorp
Classification: Uncertain significance. Last evaluated: 2024-12-26. Review status: criteria provided, single submitter. Criteria: Invitae Variant Classification Sherloc (09022015). Collection method: clinical testing. Allele origin: germline.
Comment: This sequence change replaces valine, which is neutral and non-polar, with leucine, which is neutral and non-polar, at codon 127 of the FH protein (p.Val127Leu). This variant is not present in population databases (gnomAD no frequency). This variant has not been reported in the literature in individuals affected with FH-related conditions. ClinVar contains an entry for this variant (Variation ID: 237115). An algorithm developed to predict the effect of missense changes on protein structure and function (PolyPhen-2) suggests that this variant is likely to be tolerated. Studies have shown that this missense change is associated with inconclusive levels of altered splicing (internal data). In summary, the available evidence is currently insufficient to determine the role of this variant in disease. Therefore, it has been classified as a Variant of Uncertain Significance.

Natera, Inc.
Classification: Uncertain significance for Fumarase Deficiency. Last evaluated: 2021-04-10. Review status: no assertion criteria provided. Collection method: clinical testing. Allele origin: germline. Not counted in ClinVar's aggregate classification.